The following is an entry in ClinVar:

Conditions:
Breast-ovarian cancer, familial, susceptibility to, 1 (BROVCA1). Also called: BRCA1 Hereditary Breast and Ovarian Cancer; OVARIAN CANCER, SUSCEPTIBILITY TO. Identifiers: Orphanet 145, MedGen C2676676, MONDO:0011450, OMIM 604370. Disease mechanism: loss of function.

Submission:

Brotman Baty Institute, University of Washington
No classification provided (evidence only). Condition: Breast-ovarian cancer, familial 1. Review status: no classification provided. Collection method: in vitro. Allele origin: not applicable. Functional consequence: functionally_normal.
ClinVar note: "not provided" was previously submitted as the classification for the variant. However, the classification appeared to be based only on an observation of functional data so it was converted to no classification on 2025-07-30.

NM_007294.4(BRCA1):c.5293G>C (p.Glu1765Gln)

Gene: BRCA1 (BRCA1 DNA repair associated; minus strand). Cytogenetic location: 17q21.31.
Variant type: single nucleotide variant.
Coding change: c.5293G>C on transcript NM_007294.4 (MANE Select); coding-DNA position 5293, G replaced by C.
Protein change: p.Glu1765Gln; replaces glutamic acid 1765 with glutamine.
Molecular consequence: missense variant. On other transcripts: non-coding transcript variant (1).
Genome position (GRCh38, 1-based): chr17:43,051,102, C>G on the plus strand (G>C on the coding strand, the complement: BRCA1 is on the minus strand). VCF-style: chr17-43051102-C-G. GRCh37 (hg19) VCF-style: chr17-41203119-C-G.
Other names: c.5023G>C, p.Glu1675Gln (NM_001407935.1, NM_001407936.1, NM_001407934.1); c.5170G>C, p.Glu1724Gln (NM_001407937.1, NM_001407938.1, NM_001407664.1 and 5 more transcripts); c.4960G>C, p.Glu1654Gln (NM_001407948.1, NM_001407949.1, NM_001407946.1 and 1 more transcripts); c.4957G>C, p.Glu1653Gln (NM_001407950.1, NM_001407951.1, NM_001407952.1 and 3 more transcripts); c.4954G>C, p.Glu1652Gln (NM_001407956.1, NM_001407957.1, NM_001407958.1); c.2689G>C, p.Glu897Gln (NM_001407968.1); c.2686G>C, p.Glu896Gln (NM_001407969.1); c.2050G>C, p.Glu684Gln (NM_001407970.1, NM_001407971.1); and 72 more; short protein forms E1786Q, E1718Q, E1765Q, E661Q, E1468Q, E1611Q, E1636Q, E1676Q.
Identifiers: ClinVar variation 865273 (VCV000865273.3), dbSNP rs397509256, ClinGen allele CA10590963.